The following is an entry in ClinVar:

NM_001229.5(CASP9):c.327G>A (p.Val109=)

Gene: CASP9 (caspase 9; minus strand). Cytogenetic location: 1p36.21.
Variant type: single nucleotide variant.
Coding change: c.327G>A on transcript NM_001229.5 (MANE Select); coding-DNA position 327, G replaced by A.
Protein change: p.Val109=; no amino-acid change (valine 109 retained).
Molecular consequence: synonymous variant. On other transcripts: non-coding transcript variant (1).
Genome position (GRCh38, 1-based): chr1:15,518,201, C>T on the plus strand (G>A on the coding strand, the complement: CASP9 is on the minus strand). VCF-style: chr1-15518201-C-T. GRCh37 (hg19) VCF-style: chr1-15844696-C-T.
Other names: c.327G>A, p.Val109= (NM_001278054.2); c.78G>A, p.Val26= (NM_032996.3).
Identifiers: ClinVar variation 3057686 (VCV003057686.2), dbSNP rs746736191, ClinGen allele CA614651.

ClinVar aggregate classification (germline): Likely benign (0 of 4 stars; one submission).

Conditions:
CASP9-related disorder. Also called: CASP9-related condition.

Allele frequency attached by ClinVar (database versions not stated): ExAC 0.00001; gnomAD exomes 0.00002.
gnomAD v4.1: 35 of 1,614,180 alleles (0.0022%); highest among the groups gnomAD compares: Non-Finnish European, 0.003%; no homozygotes.

Submission:

PreventionGenetics, part of Exact Sciences
Classification: Likely benign for CASP9-related condition. Last evaluated: 2019-04-02. Review status: no assertion criteria provided. Collection method: clinical testing. Allele origin: germline.
Comment: This variant is classified as likely benign based on ACMG/AMP sequence variant interpretation guidelines (Richards et al. 2015 PMID: 25741868, with internal and published modifications).